The following is an entry in ClinVar:

ClinVar aggregate classification (germline): Uncertain significance (1 of 4 stars; one submission).

Conditions:
Granulomatous disease, chronic, autosomal recessive, cytochrome b-positive, type 3. Also called: CGD, AUTOSOMAL RECESSIVE CYTOCHROME b-POSITIVE, TYPE III; GRANULOMATOUS DISEASE, CHRONIC, DUE TO NCF4 DEFICIENCY; Granulomatous disease, chronic, autosomal recessive, cytochrome b-positive, type III; GRANULOMATOUS DISEASE, CHRONIC, AUTOSOMAL RECESSIVE, 3. Identifiers: Orphanet 379, MedGen C3151409, MONDO:0013507, OMIM 613960.

Allele frequency attached by ClinVar (database versions not stated): TOPMed below 0.00001; gnomAD exomes 0.00001.

Submission:

Labcorp Genetics (formerly Invitae), Labcorp
Classification: Uncertain significance for Granulomatous disease, chronic, autosomal recessive, cytochrome b-positive, type 3. Last evaluated: 2022-01-18. Review status: criteria provided, single submitter. Criteria: Invitae Variant Classification Sherloc (09022015). Collection method: clinical testing. Allele origin: germline.
Comment: This sequence change replaces proline, which is neutral and non-polar, with leucine, which is neutral and non-polar, at codon 87 of the NCF4 protein (p.Pro87Leu). This variant is present in population databases (no rsID available, gnomAD 0.0009%). This variant has not been reported in the literature in individuals affected with NCF4-related conditions. Algorithms developed to predict the effect of missense changes on protein structure and function (SIFT, PolyPhen-2, Align-GVGD) all suggest that this variant is likely to be disruptive. In summary, the available evidence is currently insufficient to determine the role of this variant in disease. Therefore, it has been classified as a Variant of Uncertain Significance.

NM_000631.5(NCF4):c.260C>T (p.Pro87Leu)

Genes: NCF4 (neutrophil cytosolic factor 4; plus strand), NCF4-AS1 (NCF4 antisense RNA 1; minus strand). Cytogenetic location: 22q12.3.
Variant type: single nucleotide variant.
Coding change: c.260C>T on transcript NM_000631.5 (MANE Select); coding-DNA position 260, C replaced by T.
Protein change: p.Pro87Leu; replaces proline 87 with leucine.
Molecular consequence: missense variant.
Genome position (GRCh38, 1-based): chr22:36,865,061, C>T. VCF-style: chr22-36865061-C-T. GRCh37 (hg19) VCF-style: chr22-37261103-C-T.
Other names: c.260C>T, p.Pro87Leu (NM_013416.4); short protein forms P87L.
Identifiers: ClinVar variation 1899708 (VCV001899708.4), dbSNP rs1361079117, ClinGen allele CA411379496.